The following is an entry in ClinVar:

ClinVar aggregate classification (germline): Pathogenic/Likely pathogenic. Review status: criteria provided, multiple submitters, no conflicts (2 of 4 stars). 8 submissions from 7 submitters: Pathogenic (6); Likely pathogenic (2). Last evaluated 2026-06-16.

Conditions:
CEP290-related disorder. Also called: CEP290-related condition; CEP290-related disorders. Identifiers: MedGen CN239314.
Nephronophthisis. Also called: Juvenile Nephronophthisis. Identifiers: Orphanet 655, MedGen C0687120, MONDO:0019005, HP:0000090.
Meckel-Gruber syndrome. Also called: Dysencephalia splachnocystica; DYSENCEPHALIA SPLANCHNOCYSTICA; GRUBER SYNDROME. Identifiers: Orphanet 564, MedGen C0265215, MONDO:0018921.
Joubert syndrome. Also called: JOUBERT-BOLTSHAUSER SYNDROME; Familial aplasia of the vermis. Identifiers: Orphanet 475, MedGen C5979921, MONDO:0018772.
Leber congenital amaurosis (LCA). Also called: Leber's amaurosis. Identifiers: Orphanet 65, MedGen C0339527, MeSH D057130, MONDO:0018998.
Bardet-Biedl syndrome 14 (BBS14). Identifiers: Orphanet 110, MedGen C2673874, MONDO:0014442, OMIM 615991.
Leber congenital amaurosis 10 (LCA10). Identifiers: Orphanet 65, MedGen C1857821, MONDO:0012723, OMIM 611755.
Joubert syndrome 5 (JBTS5). Identifiers: Orphanet 2318, MedGen C1857780, MONDO:0012432, OMIM 610188.

Allele frequency attached by ClinVar (database versions not stated): gnomAD 0.00001; gnomAD exomes 0.00001 and 0.00003; TOPMed 0.00001; ExAC 0.00004.
gnomAD v4.1: 10 of 1,568,840 alleles (0.00064%); highest among the groups gnomAD compares: Admixed American, 0.013%; no homozygotes.

Submissions (8):

PreventionGenetics, part of Exact Sciences
Classification: Pathogenic for CEP290-related condition. Last evaluated: 2026-06-16. Review status: criteria provided, single submitter. Criteria: ACMG Guidelines, 2015. Collection method: clinical testing. Allele origin: germline.
Comment: The CEP290 c.4705-1G>T variant is predicted to disrupt the AG splice acceptor site and interfere with normal splicing. This variant has been reported as homozygous or in the compound heterozygous state with another protein truncating variant in at least four individuals with retinitis pigmentosa or other retinal dystrophies (Neveling et al. 2012. PubMed ID: 22334370; Bravo-Gil et al. 2017. PubMed ID: 28157192; Testa et al. 2021. PubMed ID: 34196655; Table S2, Peter et al. 2023. PubMed ID: 36909829). This variant is reported in 0.014% of alleles in individuals of Latino descent in gnomAD. Variants that disrupt the consensus splice acceptor site in CEP290 are expected to be pathogenic. This variant is interpreted as pathogenic.

Labcorp Genetics (formerly Invitae), Labcorp
Classification: Pathogenic for Joubert syndrome; Meckel-Gruber syndrome; Nephronophthisis. Last evaluated: 2025-12-03. Review status: criteria provided, single submitter. Criteria: Invitae Variant Classification Sherloc (09022015). Collection method: clinical testing. Allele origin: germline.
Comment: This sequence change affects an acceptor splice site in intron 35 of the CEP290 gene. It is expected to disrupt RNA splicing. Variants that disrupt the donor or acceptor splice site typically lead to a loss of protein function (PMID: 16199547), and loss-of-function variants in CEP290 are known to be pathogenic (PMID: 16909394, 17345604, 20690115). This variant is present in population databases (rs777464278, gnomAD 0.02%). Disruption of this splice site has been observed in individuals with retinitis pigmentosa (PMID: 22334370, 28157192). ClinVar contains an entry for this variant (Variation ID: 420091). Algorithms developed to predict the effect of sequence changes on RNA splicing suggest that this variant may disrupt the consensus splice site. For these reasons, this variant has been classified as Pathogenic.

Natera, Inc.
Classification: Likely pathogenic for Leber congenital amaurosis. Last evaluated: 2025-12-02. Review status: criteria provided, single submitter. Criteria: Natera Variant Classification Schema (03/2026). Collection method: clinical testing. Allele origin: germline.
Comment: The c.4705-1G>T variant in CEP290 is a canonical splice acceptor site variant predicted to affect pre-mRNA splicing, which may result in an abnormal transcript and altered protein product. This variant may result in a truncated or dysfunctional protein product. This variant is rare in the general population with a frequency below the threshold expected for the associated phenotype(s). This variant has been observed in one or more individuals affected with the associated recessive disease, as either homozygous or compound heterozygous with a second variant (PMID: 28157192, 36909829, 34196655, 30193310). Given the available evidence, this variant is classified as Likely Pathogenic.

3billion
Classification: Pathogenic for Leber congenital amaurosis 10. Last evaluated: 2024-12-13. Review status: criteria provided, single submitter. Criteria: ACMG Guidelines, 2015. Collection method: clinical testing. Allele origin: germline. Affected: yes.
Comment: The variant is observed at an extremely low frequency in the gnomAD v4.1.0 dataset (total allele frequency: <0.001%). Predicted Consequence/Location: Canonical splice site: predicted to alter splicing and result in a loss or disruption of normal protein function. Multiple pathogenic loss-of-function variants are reported downstream of the variant. The variant has been reported at least twice as pathogenic without evidence for the classification (ClinVar ID: VCV000420091 /PMID: 22334370). Therefore, this variant is classified as Pathogenic according to the recommendation of ACMG/AMP guideline.

Baylor Genetics
Classification: Pathogenic for Bardet-Biedl syndrome 14. Last evaluated: 2024-03-26. Review status: criteria provided, single submitter. Criteria: ACMG Guidelines, 2015. Collection method: clinical testing. Allele origin: unknown.

Ophthalmic Genetics Group, Institute of Molecular and Clinical Ophthalmology Basel
Classification: Pathogenic for Leber congenital amaurosis. Last evaluated: 2023-07-24. Review status: criteria provided, single submitter. Criteria: ACMG Guidelines, 2015. Collection method: research. Allele origin: germline. Affected: yes. Observed: 1 variant allele.
Comment: Clinical significance based on ACMG v2.0

This variant was classified as Pathogenic based on ACMG criteria: PVS1, PP5, PM2.

GeneDx
Classification: Likely pathogenic. Last evaluated: 2019-12-05. Review status: criteria provided, single submitter. Criteria: GeneDx Variant Classification Process June 2021. Collection method: clinical testing. Allele origin: germline. Affected: yes.
Comment: Canonical splice site variant predicted to result in an in-frame deletion of colied coil region; Not observed at a significant frequency in large population cohorts (Lek et al., 2016); This variant is associated with the following publications: (PMID: 28157192, 22334370)

Baylor Genetics
Classification: Pathogenic for Joubert syndrome 5. Last evaluated: 2018-01-09. Review status: criteria provided, single submitter. Criteria: ACMG Guidelines, 2015. Collection method: clinical testing. Allele origin: unknown. Affected: yes.
Comment: This variant was determined to be pathogenic according to ACMG Guidelines, 2015 [PMID:25741868]. This variant has been previously reported as pathogenic [PMID 22334370]

Literature cited by the submitters: PubMed 16199547 (cited by Labcorp Genetics (formerly Invitae), Labcorp); PubMed 16909394 (cited by Labcorp Genetics (formerly Invitae), Labcorp); PubMed 17345604 (cited by Labcorp Genetics (formerly Invitae), Labcorp); PubMed 20690115 (cited by Labcorp Genetics (formerly Invitae), Labcorp); PubMed 22334370 (cited by 3 submitters); PubMed 28157192 (cited by Labcorp Genetics (formerly Invitae), Labcorp and Natera, Inc.); PubMed 36909829 (cited by Natera, Inc. and Ophthalmic Genetics Group, Institute of Molecular and Clinical Ophthalmology Basel); PubMed 34196655 (cited by Natera, Inc.); PubMed 30193310 (cited by Natera, Inc.).

NM_025114.4(CEP290):c.4705-1G>T

Gene: CEP290 (centrosomal protein 290; minus strand). Cytogenetic location: 12q21.32.
Variant type: single nucleotide variant.
Coding change: c.4705-1G>T on transcript NM_025114.4 (MANE Select); the canonical splice acceptor site of the intron before coding-DNA position 4705, G replaced by T.
Molecular consequence: splice acceptor variant.
Genome position (GRCh38, 1-based): chr12:88,083,955, C>A on the plus strand (G>T on the coding strand, the complement: CEP290 is on the minus strand). VCF-style: chr12-88083955-C-A. GRCh37 (hg19) VCF-style: chr12-88477732-C-A.
Other names: NP_079390.3:p.?.
Identifiers: ClinVar variation 420091 (VCV000420091.20), dbSNP rs777464278, ClinGen allele CA6711875.